The following is an entry in ClinVar:

NM_001252024.2(TRPM1):c.3613C>T (p.Arg1205Trp)

Genes: TRPM1 (transient receptor potential cation channel subfamily M member 1; minus strand), LOC126862088 (BRD4-independent group 4 enhancer GRCh37_chr15:31318084-31319283; plus strand). Cytogenetic location: 15q13.3.
Variant type: single nucleotide variant.
Coding change: c.3613C>T on transcript NM_001252024.2 (MANE Select); coding-DNA position 3613, C replaced by T.
Protein change: p.Arg1205Trp; replaces arginine 1205 with tryptophan.
Molecular consequence: missense variant.
Genome position (GRCh38, 1-based): chr15:31,026,155, G>A on the plus strand (C>T on the coding strand, the complement: TRPM1 is on the minus strand). VCF-style: chr15-31026155-G-A. GRCh37 (hg19) VCF-style: chr15-31318358-G-A.
Other names: c.3664C>T, p.Arg1222Trp (NM_001252020.2); c.3547C>T, p.Arg1183Trp (NM_002420.6); short protein forms R1183W, R1205W, R1222W.
Identifiers: ClinVar variation 1060481 (VCV001060481.10), dbSNP rs1369436827, ClinGen allele CA391539888.

ClinVar aggregate classification (germline): Uncertain significance. Review status: criteria provided, single submitter (1 of 4 stars). 2 submissions from 2 submitters: Uncertain significance (1). 1 of the submissions does not count toward it. Last evaluated 2020-10-14.

Conditions:
Retinal dystrophy. Also called: Inherited retinal dystrophy. Identifiers: Orphanet 71862, MedGen C0854723, MeSH D058499, MONDO:0019118, HP:0000556.

Allele frequency attached by ClinVar (database versions not stated): gnomAD exomes below 0.00001.
gnomAD v4.1: 4 of 1,611,912 alleles (0.00025%); highest among the groups gnomAD compares: South Asian, 0.0011%; no homozygotes.

Submissions (2):

Labcorp Genetics (formerly Invitae), Labcorp
Classification: Uncertain significance. Last evaluated: 2020-10-14. Review status: criteria provided, single submitter. Criteria: Invitae Variant Classification Sherloc (09022015). Collection method: clinical testing. Allele origin: germline.
Comment: In summary, the available evidence is currently insufficient to determine the role of this variant in disease. Therefore, it has been classified as a Variant of Uncertain Significance. Algorithms developed to predict the effect of missense changes on protein structure and function are either unavailable or do not agree on the potential impact of this missense change (SIFT: "Deleterious"; PolyPhen-2: "Probably Damaging"; Align-GVGD: "Class C0"). This variant has not been reported in the literature in individuals with TRPM1-related conditions. This variant is not present in population databases (ExAC no frequency). This sequence change replaces arginine with tryptophan at codon 1183 of the TRPM1 protein (p.Arg1183Trp). The arginine residue is highly conserved and there is a moderate physicochemical difference between arginine and tryptophan.

Institute of Human Genetics, Univ. Regensburg, Univ. Regensburg
Classification: Uncertain significance for Retinal dystrophy. Last evaluated: 2022-01-01. Review status: no assertion criteria provided. Criteria: ACMG Guidelines, 2015. Collection method: clinical testing. Allele origin: germline. Affected: yes. Not counted in ClinVar's aggregate classification.